The following is an entry in ClinVar:

ClinVar aggregate classification (germline): Uncertain significance. Review status: criteria provided, multiple submitters, no conflicts (2 of 4 stars). 2 submissions from 2 submitters: Uncertain significance (2). Last evaluated 2026-05-18.

Conditions:
Familial dysfibrinogenemia. Also called: Dysfibrinogenemia, congenital. Identifiers: Orphanet 335, Orphanet 98881, MedGen C0272350, MONDO:0014452, OMIM 616004.
Congenital afibrinogenemia. Identifiers: Orphanet 335, Orphanet 98880, MedGen C2584774, MONDO:0008737, OMIM 202400.
Familial visceral amyloidosis, Ostertag type (AMYLD2). Also called: AMYLOIDOSIS VIII; Ostertag type amyloidosis; Familial visceral amyloidosis; Amyloidosis, hepatic and systemic; AMYLOIDOSIS, HEREDITARY SYSTEMIC 2; Hereditary Renal Amyloidosis. Identifiers: Orphanet 85450, MedGen C0268389, MONDO:0007099, OMIM 105200.

gnomAD v4.1: 8 of 1,614,034 alleles (0.0005%); highest among the groups gnomAD compares: Admixed American, 0.0017%; no homozygotes.

Submissions (2):

Women's Health and Genetics/Laboratory Corporation of America, LabCorp
Classification: Uncertain significance. Last evaluated: 2026-05-18. Review status: criteria provided, single submitter. Criteria: LabCorp Variant Classification Summary - May 2015. Collection method: clinical testing. Allele origin: germline.
Comment: Variant summary: FGA c.1367C>T (p.Thr456Ile) results in a non-conservative amino acid change in the encoded protein sequence. Algorithms developed to predict the effect of missense changes on protein structure and function are either unavailable or do not agree on the potential impact of this missense change. The variant was absent in 251250 control chromosomes. The available data on variant occurrences in the general population are insufficient to allow any conclusion about variant significance. To our knowledge, no occurrence of c.1367C>T in individuals affected with FGA-related conditions and no experimental evidence demonstrating its impact on protein function have been reported. ClinVar contains an entry for this variant (Variation ID: 3590319). Based on the evidence outlined above, the variant was classified as uncertain significance.

Fulgent Genetics
Classification: Uncertain significance for Familial visceral amyloidosis, Ostertag type; Congenital afibrinogenemia; Familial dysfibrinogenemia. Last evaluated: 2024-03-27. Review status: criteria provided, single submitter. Criteria: ACMG Guidelines, 2015. Collection method: clinical testing. Allele origin: germline.

NM_021871.4(FGA):c.1367C>T (p.Thr456Ile)

Gene: FGA (fibrinogen alpha chain; minus strand). Cytogenetic location: 4q31.3.
Variant type: single nucleotide variant.
Coding change: c.1367C>T on transcript NM_021871.4 (MANE Select); coding-DNA position 1367, C replaced by T.
Protein change: p.Thr456Ile; replaces threonine 456 with isoleucine.
Molecular consequence: missense variant.
Genome position (GRCh38, 1-based): chr4:154,586,062, G>A on the plus strand (C>T on the coding strand, the complement: FGA is on the minus strand). VCF-style: chr4-154586062-G-A. GRCh37 (hg19) VCF-style: chr4-155507214-G-A.
Other names: c.1367C>T, p.Thr456Ile (NM_000508.5); short protein forms T456I.
Identifiers: ClinVar variation 3590319 (VCV003590319.2).
Genomic context (GRCh38, chr4:154,586,062, plus strand): 5'-TTGTGACCATCAGGACCAATAACAGTCTTAGTAACGGTTTTAGAGCATGAACGACGCGTG[G>A]TGGTTGTGCTACCAGAGGTGACCTTCTCTTTACCAGTCCTGAGCTCTTTATCTCCTTTAG-3'
Protein context (NP_068657.1, residues 446-466): KEKVTSGSTT[Thr456Ile]TRRSCSKTVT